The following is an entry in ClinVar:

NM_002016.2(FLG):c.6225C>T (p.Ser2075=)

Genes: CCDST (cervical cancer associated DHX9 suppressive transcript; plus strand), FLG (filaggrin; minus strand). Cytogenetic location: 1q21.3.
Variant type: single nucleotide variant.
Coding change: c.6225C>T on transcript NM_002016.2 (MANE Select); coding-DNA position 6225, C replaced by T.
Protein change: p.Ser2075=; no amino-acid change (serine 2075 retained).
Molecular consequence: synonymous variant.
Genome position (GRCh38, 1-based): chr1:152,308,661, G>A on the plus strand (C>T on the coding strand, the complement: FLG is on the minus strand). VCF-style: chr1-152308661-G-A. GRCh37 (hg19) VCF-style: chr1-152281137-G-A.
Identifiers: ClinVar variation 3777867 (VCV003777867.8).

ClinVar aggregate classification (germline): Benign/Likely benign. Review status: criteria provided, multiple submitters, no conflicts (2 of 4 stars). 2 submissions from 2 submitters: Benign (1); Likely benign (1). Last evaluated 2025-03-01.

gnomAD v4.1: 2,041 of 1,614,104 alleles (0.13%); highest among the groups gnomAD compares: South Asian, 1.3%; 22 homozygotes.

Submissions (2):

CeGaT Center for Human Genetics Tuebingen
Classification: Benign. Last evaluated: 2025-03-01. Review status: criteria provided, single submitter. Criteria: CeGaT Center For Human Genetics Tuebingen Variant Classification Criteria Version 2. Collection method: clinical testing. Allele origin: germline. Affected: yes. Observed: 1 variant allele.
Comment: FLG: BP4, BP7, BS1, BS2

Blueprint Genetics
Classification: Likely benign. Last evaluated: 2024-11-22. Review status: criteria provided, single submitter. Criteria: ACMG Guidelines, 2015. Collection method: clinical testing. Allele origin: germline.